The following is an entry in ClinVar:

NM_001267550.2(TTN):c.77260_77261dup (p.Gln25755fs)

Genes: TTN-AS1 (TTN antisense RNA 1; plus strand), TTN (titin; minus strand). Cytogenetic location: 2q31.2.
Variant type: Microsatellite.
Coding change: c.77260_77261dup on transcript NM_001267550.2 (MANE Select); coding-DNA positions 77260 to 77261, 2 bases duplicated (CT; older notation c.77260_77261dupCT).
Protein change: p.Gln25755fs; shifts the reading frame from glutamine 25755.
Molecular consequence: frameshift variant.
Genome position (GRCh38, 1-based): chr2:178,568,871-178,568,872, AG duplicated on the plus strand (CT on the coding strand, the reverse complement: TTN is on the minus strand); duplicating any 2 consecutive bases within chr2:178,568,871-178,568,875 gives the same sequence; the c. name uses the placement nearest the transcript's 3' end. VCF-style (leftmost placement, unchanged base first): chr2-178568870-A-AAG. GRCh37 (hg19) VCF-style: chr2-179433597-A-AAG.
Other names: c.72337_72338dup, p.Gln24114fs (NM_001256850.1); c.50065_50066dup, p.Gln16690fs (NM_003319.4); c.69556_69557dup, p.Gln23187fs (NM_133378.4); c.50440_50441dup, p.Gln16815fs (NM_133432.3); c.50641_50642dup, p.Gln16882fs (NM_133437.4); short protein forms Q24114fs, Q16882fs, Q16690fs, Q16815fs, Q23187fs, Q25755fs.
Identifiers: ClinVar variation 4785477 (VCV004785477.1).

ClinVar aggregate classification (germline): Likely pathogenic (1 of 4 stars; one submission).

Conditions:
Autosomal recessive limb-girdle muscular dystrophy type 2J (LGMDR10). Also called: Limb-girdle muscular dystrophy, type 2J; MUSCULAR DYSTROPHY, LIMB-GIRDLE, AUTOSOMAL RECESSIVE 10. Identifiers: Orphanet 140922, MedGen C1837342, MONDO:0012127, OMIM 608807.
Dilated cardiomyopathy 1G (CMD1G). Identifiers: Orphanet 154, MedGen C1858763, MONDO:0011400, OMIM 604145.

Submission:

Labcorp Genetics (formerly Invitae), Labcorp
Classification: Likely pathogenic for Dilated cardiomyopathy 1G; Autosomal recessive limb-girdle muscular dystrophy type 2J. Last evaluated: 2025-10-23. Review status: criteria provided, single submitter. Criteria: Invitae Variant Classification Sherloc (09022015). Collection method: clinical testing. Allele origin: germline.
Comment: This sequence change creates a premature translational stop signal (p.Gln25755Phefs*4) in the TTN gene. While this is not anticipated to result in nonsense mediated decay, it is expected to create a truncated TTN protein. This variant is not present in population databases (gnomAD no frequency). This variant has not been reported in the literature in individuals affected with TTN-related conditions. This variant is located in the A band of TTN (PMID: 25589632). Truncating variants in this region are significantly overrepresented in patients affected with dilated cardiomyopathy (PMID: 25589632). Truncating variants in this region have also been reported in individuals affected with autosomal recessive centronuclear myopathy (PMID: 23975875). In summary, the currently available evidence indicates that the variant is pathogenic, but additional data are needed to prove that conclusively. Therefore, this variant has been classified as Likely Pathogenic.

Literature cited by the submitters: PubMed 25589632; PubMed 23975875.